The following is an entry in ClinVar:

NM_000528.4(MAN2B1):c.910-73A>G

Gene: MAN2B1 (mannosidase alpha class 2B member 1; minus strand). Cytogenetic location: 19p13.13.
Variant type: single nucleotide variant.
Coding change: c.910-73A>G on transcript NM_000528.4 (MANE Select); 73 bases into the intron before coding-DNA position 910, A replaced by G.
Molecular consequence: intron variant.
Genome position (GRCh38, 1-based): chr19:12,661,449, T>C on the plus strand (A>G on the coding strand, the complement: MAN2B1 is on the minus strand). VCF-style: chr19-12661449-T-C. GRCh37 (hg19) VCF-style: chr19-12772263-T-C.
Other names: c.910-73A>G (NM_001173498.2).
Identifiers: ClinVar variation 684372 (VCV000684372.5), dbSNP rs2303731, ClinGen allele CA14734636.

ClinVar aggregate classification (germline): Benign. Review status: criteria provided, multiple submitters, no conflicts (2 of 4 stars). 3 submissions from 3 submitters: Benign (3). Last evaluated 2021-06-10.

Conditions:
Deficiency of alpha-mannosidase (MANSA). Also called: Mannosidosis, alpha-, types I and II; Alpha-Mannosidosis; LYSOSOMAL ALPHA-D-MANNOSIDASE DEFICIENCY. Identifiers: Orphanet 61, MedGen C0024748, MONDO:0009561, OMIM 248500.

Allele frequency attached by ClinVar (database versions not stated): 1000 Genomes Project 0.30891; 1000 Genomes Project 30x 0.31590; gnomAD exomes 0.33133; gnomAD 0.39381 and 0.40412; TOPMed 0.39626.
gnomAD v4.1: 339,796 of 994,878 alleles (34%); highest among the groups gnomAD compares: African/African-American, 48%; 64,065 homozygotes.

Submissions (3):

Genome-Nilou Lab
Classification: Benign for Deficiency of alpha-mannosidase. Last evaluated: 2021-06-10. Review status: criteria provided, single submitter. Criteria: ACMG Guidelines, 2015. Collection method: clinical testing. Allele origin: germline. Affected: no.

GeneDx
Classification: Benign. Last evaluated: 2018-06-19. Review status: criteria provided, single submitter. Criteria: GeneDx Variant Classification (06012015). Collection method: clinical testing. Allele origin: germline. Affected: yes.
Comment: This variant is considered likely benign or benign based on one or more of the following criteria: it is a conservative change, it occurs at a poorly conserved position in the protein, it is predicted to be benign by multiple in silico algorithms, and/or has population frequency not consistent with disease.

Breakthrough Genomics
Classification: Benign. Review status: criteria provided, single submitter. Criteria: ACMG Guidelines, 2015. Collection method: not provided. Allele origin: germline. Inheritance: Autosomal recessive inheritance. Affected: yes.